The following is an entry in ClinVar:

NM_002907.4(RECQL):c.17-172C>T

Gene: RECQL (RecQ like helicase; minus strand). Cytogenetic location: 12p12.1.
Variant type: single nucleotide variant.
Coding change: c.17-172C>T on transcript NM_002907.4 (MANE Select); 172 bases into the intron before coding-DNA position 17, C replaced by T.
Molecular consequence: intron variant.
Genome position (GRCh38, 1-based): chr12:21,491,888, G>A on the plus strand (C>T on the coding strand, the complement: RECQL is on the minus strand). VCF-style: chr12-21491888-G-A. GRCh37 (hg19) VCF-style: chr12-21644822-G-A.
Other names: c.17-172C>T (NM_032941.3).
Identifiers: ClinVar variation 679727 (VCV000679727.2), dbSNP rs4762703, ClinGen allele CA233584049.

ClinVar aggregate classification (germline): Benign. Review status: criteria provided, multiple submitters, no conflicts (2 of 4 stars). 2 submissions from 2 submitters: Benign (2). Last evaluated 2018-06-20.

Allele frequency attached by ClinVar (database versions not stated): TOPMed 0.10386; gnomAD 0.10600 and 0.10645; 1000 Genomes Project 30x 0.11977; 1000 Genomes Project 0.12101.
gnomAD v4.1: 16,142 of 152,028 alleles (11%); highest among the groups gnomAD compares: East Asian, 22%; 950 homozygotes.

Submissions (2):

GeneDx
Classification: Benign. Last evaluated: 2018-06-20. Review status: criteria provided, single submitter. Criteria: GeneDx Variant Classification (06012015). Collection method: clinical testing. Allele origin: germline. Affected: yes.
Comment: This variant is considered likely benign or benign based on one or more of the following criteria: it is a conservative change, it occurs at a poorly conserved position in the protein, it is predicted to be benign by multiple in silico algorithms, and/or has population frequency not consistent with disease.

Breakthrough Genomics
Classification: Benign. Review status: criteria provided, single submitter. Criteria: ACMG Guidelines, 2015. Collection method: not provided. Allele origin: germline. Inheritance: Unknown mechanism. Affected: yes.